The following is an entry in ClinVar:

NM_001163941.2(ABCB5):c.135C>T (p.Ile45=)

Gene: ABCB5 (ATP binding cassette subfamily B member 5; plus strand). Cytogenetic location: 7p21.1.
Variant type: single nucleotide variant.
Coding change: c.135C>T on transcript NM_001163941.2 (MANE Select); coding-DNA position 135, C replaced by T.
Protein change: p.Ile45=; no amino-acid change (isoleucine 45 retained).
Molecular consequence: synonymous variant.
Genome position (GRCh38, 1-based): chr7:20,628,714, C>T. VCF-style: chr7-20628714-C-T. GRCh37 (hg19) VCF-style: chr7-20668337-C-T.
Identifiers: ClinVar variation 4823803 (VCV004823803.4).
Genomic context (GRCh38, chr7:20,628,714, plus strand): 5'-CAGTTGTGGTGCTACCGTGCTTTGTTTTCCTCAGTTCCGCTTTGCTGATGGACTGGACAT[C>T]ACACTCATGATCCTGGGTATACTGGCATCACTGGTCAATGGAGCCTGCCTTCCTTTAATG-3'
Protein context (NP_001157413.1, residues 35-55): EIFRFADGLD[Ile45=]TLMILGILAS

ClinVar aggregate classification (germline): Likely benign (1 of 4 stars; one submission).

Submission:

CeGaT Center for Human Genetics Tuebingen
Classification: Likely benign. Last evaluated: 2026-04-01. Review status: criteria provided, single submitter. Criteria: CeGaT Center For Human Genetics Tuebingen Variant Classification Criteria Version 2. Collection method: clinical testing. Allele origin: germline. Affected: yes. Observed: 1 variant allele.
Comment: ABCB5: PM2:Supporting, BP4, BP7